The following is an entry in ClinVar:

NM_006019.4(TCIRG1):c.685G>A (p.Gly229Arg)

Gene: TCIRG1 (T cell immune regulator 1, ATPase H+ transporting V0 subunit a3; plus strand). Cytogenetic location: 11q13.2.
Variant type: single nucleotide variant.
Coding change: c.685G>A on transcript NM_006019.4 (MANE Select); coding-DNA position 685, G replaced by A.
Protein change: p.Gly229Arg; replaces glycine 229 with arginine.
Molecular consequence: missense variant. On other transcripts: 5 prime UTR variant (1).
Genome position (GRCh38, 1-based): chr11:68,043,625, G>A. VCF-style: chr11-68043625-G-A. GRCh37 (hg19) VCF-style: chr11-67811092-G-A.
Other names: c.-226G>A (NM_001351059.2); c.37G>A, p.Gly13Arg (NM_006053.4); short protein forms G13R, G229R.
Identifiers: ClinVar variation 3713648 (VCV003713648.2).

ClinVar aggregate classification (germline): Uncertain significance (1 of 4 stars; one submission).

Submission:

Labcorp Genetics (formerly Invitae), Labcorp
Classification: Uncertain significance. Last evaluated: 2025-10-11. Review status: criteria provided, single submitter. Criteria: Invitae Variant Classification Sherloc (09022015). Collection method: clinical testing. Allele origin: germline.
Comment: This sequence change replaces glycine, which is neutral and non-polar, with arginine, which is basic and polar, at codon 229 of the TCIRG1 protein (p.Gly229Arg). This variant is present in population databases (rs746497338, gnomAD 0.006%). This variant has not been reported in the literature in individuals affected with TCIRG1-related conditions. ClinVar contains an entry for this variant (Variation ID: 3713648). Invitae Evidence Modeling of protein sequence and biophysical properties (such as structural, functional, and spatial information, amino acid conservation, physicochemical variation, residue mobility, and thermodynamic stability) indicates that this missense variant is not expected to disrupt TCIRG1 protein function with a negative predictive value of 80%. In summary, the available evidence is currently insufficient to determine the role of this variant in disease. Therefore, it has been classified as a Variant of Uncertain Significance.